The following is an entry in ClinVar:

ClinVar aggregate classification (germline): Uncertain significance (1 of 4 stars; one submission).

Submission:

GeneDx
Classification: Uncertain significance. Last evaluated: 2025-02-05. Review status: criteria provided, single submitter. Criteria: GeneDx Variant Classification Process June 2021. Collection method: clinical testing. Allele origin: germline.
Comment: Not observed at significant frequency in large population cohorts (gnomAD); In silico analysis supports that this missense variant does not alter protein structure/function; Has not been previously published as pathogenic or benign to our knowledge

NM_032436.4(CHAMP1):c.446C>T (p.Thr149Ile)

Gene: CHAMP1 (chromosome alignment maintaining phosphoprotein 1; plus strand). Cytogenetic location: 13q34.
Variant type: single nucleotide variant.
Coding change: c.446C>T on transcript NM_032436.4 (MANE Select); coding-DNA position 446, C replaced by T.
Protein change: p.Thr149Ile; replaces threonine 149 with isoleucine.
Molecular consequence: missense variant.
Genome position (GRCh38, 1-based): chr13:114,324,288, C>T. VCF-style: chr13-114324288-C-T. GRCh37 (hg19) VCF-style: chr13-115089763-C-T.
Other names: c.446C>T, p.Thr149Ile (NM_001164144.3, NM_001164145.3); short protein forms T149I.
Identifiers: ClinVar variation 3253099 (VCV003253099.2), dbSNP rs782404252.
Genomic context (GRCh38, chr13:114,324,288, plus strand): 5'-CCCTTTCAATGGAAACACAGAAACTTGGTTCAGTTTTGTCTCCAGAATCGCCAAAACCTA[C>T]TCCTCTTACTCCCCTGGAGCCTCAGAAACCTGGCTCTGTTGTTTCTCCTGAGCTACAGAC-3'
Protein context (NP_115812.1, residues 139-159): SVLSPESPKP[Thr149Ile]PLTPLEPQKP